The following is an entry in ClinVar:

NM_002609.4(PDGFRB):c.2116G>T (p.Asp706Tyr)

Gene: PDGFRB (platelet derived growth factor receptor beta; minus strand). Cytogenetic location: 5q32.
Variant type: single nucleotide variant.
Coding change: c.2116G>T on transcript NM_002609.4 (MANE Select); coding-DNA position 2116, G replaced by T.
Protein change: p.Asp706Tyr; replaces aspartic acid 706 with tyrosine.
Molecular consequence: missense variant.
Genome position (GRCh38, 1-based): chr5:150,123,109, C>A on the plus strand (G>T on the coding strand, the complement: PDGFRB is on the minus strand). VCF-style: chr5-150123109-C-A. GRCh37 (hg19) VCF-style: chr5-149502672-C-A.
Other names: c.1924G>T, p.Asp642Tyr (NM_001355016.2); c.1633G>T, p.Asp545Tyr (NM_001355017.2); short protein forms D642Y, D706Y, D545Y.
Identifiers: ClinVar variation 1497821 (VCV001497821.6), dbSNP rs770635073, ClinGen allele CA361762921.

ClinVar aggregate classification (germline): Uncertain significance (1 of 4 stars; one submission).

Conditions:
Basal ganglia calcification, idiopathic, 4 (PFBC4). Also called: Familial Idiopathic Basal Ganglia Calcification 4; PRIMARY FAMILIAL BRAIN CALCIFICATION 4, AUTOSOMAL DOMINANT. Identifiers: Orphanet 1980, MedGen C3554321, MONDO:0014004, OMIM 615007.
Acroosteolysis-keloid-like lesions-premature aging syndrome. Also called: Premature aging syndrome, Penttinen type; Prematurely aged appearance, delayed bone maturation, acro-osteolysis, and brachydactyly; Progeroid syndrome, Penttinen type. Identifiers: Orphanet 363665, MedGen C1866182, MONDO:0011150, OMIM 601812.
Infantile myofibromatosis (IMF). Also called: Congenital generalized fibromatosis. Identifiers: Orphanet 2591, MedGen C0432284, MONDO:0016824.
Skeletal overgrowth-craniofacial dysmorphism-hyperelastic skin-white matter lesions syndrome. Also called: SKELETAL OVERGROWTH WITH FACIAL DYSMORPHISM, HYPERELASTIC SKIN, WHITE MATTER LESIONS, AND NEUROLOGIC DETERIORATION; Kosaki overgrowth syndrome. Identifiers: Orphanet 477831, MedGen C4225270, MONDO:0014704, OMIM 616592.

Submission:

Labcorp Genetics (formerly Invitae), Labcorp
Classification: Uncertain significance for Basal ganglia calcification, idiopathic, 4; Skeletal overgrowth-craniofacial dysmorphism-hyperelastic skin-white matter lesions syndrome; Infantile myofibromatosis; Acroosteolysis-keloid-like lesions-premature aging syndrome. Last evaluated: 2022-02-27. Review status: criteria provided, single submitter. Criteria: Invitae Variant Classification Sherloc (09022015). Collection method: clinical testing. Allele origin: germline.
Comment: In summary, the available evidence is currently insufficient to determine the role of this variant in disease. Therefore, it has been classified as a Variant of Uncertain Significance. Advanced modeling of protein sequence and biophysical properties (such as structural, functional, and spatial information, amino acid conservation, physicochemical variation, residue mobility, and thermodynamic stability) performed at Invitae indicates that this missense variant is not expected to disrupt PDGFRB protein function. This variant has not been reported in the literature in individuals affected with PDGFRB-related conditions. This variant is not present in population databases (gnomAD no frequency). This sequence change replaces aspartic acid, which is acidic and polar, with tyrosine, which is neutral and polar, at codon 706 of the PDGFRB protein (p.Asp706Tyr).